The following is an entry in ClinVar:

NM_016938.5(EFEMP2):c.409A>T (p.Ser137Cys)

Gene: EFEMP2 (EGF-like fibulin extracellular matrix protein 2; minus strand). Cytogenetic location: 11q13.1.
Variant type: single nucleotide variant.
Coding change: c.409A>T on transcript NM_016938.5 (MANE Select); coding-DNA position 409, A replaced by T.
Protein change: p.Ser137Cys; replaces serine 137 with cysteine.
Molecular consequence: missense variant. On other transcripts: non-coding transcript variant (1).
Genome position (GRCh38, 1-based): chr11:65,870,617, T>A on the plus strand (A>T on the coding strand, the complement: EFEMP2 is on the minus strand). VCF-style: chr11-65870617-T-A. GRCh37 (hg19) VCF-style: chr11-65638088-T-A.
Other names: short protein forms S137C.
Identifiers: ClinVar variation 472824 (VCV000472824.15), dbSNP rs1306393544, ClinGen allele CA381307982.

ClinVar aggregate classification (germline): Conflicting classifications of pathogenicity. Review status: criteria provided, conflicting classifications (1 of 4 stars). 5 submissions from 5 submitters: Pathogenic (1); Likely pathogenic (2); Uncertain significance (1). 1 of the submissions does not count toward it. Last evaluated 2025-11-03.

Conditions:
Cardiovascular phenotype. Identifiers: MedGen CN230736.
Cutis laxa, autosomal recessive, type 1B (ARCL1B). Also called: CUTIS LAXA, AUTOSOMAL RECESSIVE, TYPE IB; EFEMP2-Related Cutis Laxa. Identifiers: Orphanet 90349, MedGen C3280798, MONDO:0013754, OMIM 614437. Disease mechanism: loss of function.

Allele frequency attached by ClinVar (database versions not stated): gnomAD exomes 0.00006 and 0.00009; gnomAD 0.00020 and 0.00022; TOPMed 0.00020.

Submissions (5):

Women's Health and Genetics/Laboratory Corporation of America, LabCorp
Classification: Likely pathogenic for Cutis laxa, autosomal recessive, type 1B. Last evaluated: 2025-11-03. Review status: criteria provided, single submitter. Criteria: LabCorp Variant Classification Summary - May 2015. Collection method: clinical testing. Allele origin: germline.
Comment: Variant summary: EFEMP2 c.409A>T (p.Ser137Cys) results in a non-conservative amino acid change in the encoded protein sequence. Algorithms developed to predict the effect of missense changes on protein structure and function all suggest that this variant is likely to be disruptive. The variant allele was found at a frequency of 8.8e-05 in 250828 control chromosomes. This frequency is not significantly higher than estimated for disease-causing variants in EFEMP2, allowing no conclusion about variant significance. c.409A>T has been observed in the homozygous state in at least 2 individual(s) affected with clinical features of Autosomal Recessive Cutis Laxa (example, Yetman_2019, Used-Gavin_2023, Labcorp Genetics (formerly Invitae)). These data indicate that the variant is likely to be associated with disease. To our knowledge, no experimental evidence demonstrating an impact on protein function has been reported. The following publications have been ascertained in the context of this evaluation (PMID: 34901216, 28673110, 38025136). ClinVar contains an entry for this variant (Variation ID: 472824). Based on the evidence outlined above, the variant was classified as likely pathogenic.

Labcorp Genetics (formerly Invitae), Labcorp
Classification: Pathogenic for Cutis laxa, autosomal recessive, type 1B. Last evaluated: 2025-04-23. Review status: criteria provided, single submitter. Criteria: Invitae Variant Classification Sherloc (09022015). Collection method: clinical testing. Allele origin: germline.
Comment: This sequence change replaces serine, which is neutral and polar, with cysteine, which is neutral and slightly polar, at codon 137 of the EFEMP2 protein (p.Ser137Cys). This variant is present in population databases (no rsID available, gnomAD 0.07%). This missense change has been observed in individual(s) with clinical features of thoracic aortic aneurysms and dissections (PMID: 28673110; internal data). In at least one individual the data is consistent with being in trans (on the opposite chromosome) from a pathogenic variant. ClinVar contains an entry for this variant (Variation ID: 472824). Invitae Evidence Modeling of protein sequence and biophysical properties (such as structural, functional, and spatial information, amino acid conservation, physicochemical variation, residue mobility, and thermodynamic stability) indicates that this missense variant is expected to disrupt EFEMP2 protein function with a positive predictive value of 95%. For these reasons, this variant has been classified as Pathogenic.

GeneDx
Classification: Uncertain significance. Last evaluated: 2023-07-28. Review status: criteria provided, single submitter. Criteria: GeneDx Variant Classification Process June 2021. Collection method: clinical testing. Allele origin: germline. Affected: yes.
Comment: In silico analysis supports that this missense variant has a deleterious effect on protein structure/function; This variant is associated with the following publications: (PMID: 28673110, 34901216)

Ambry Genetics
Classification: Likely pathogenic for Cardiovascular phenotype. Last evaluated: 2022-05-11. Review status: criteria provided, single submitter. Criteria: Ambry Variant Classification Scheme 2023. Collection method: clinical testing. Allele origin: germline.
Comment: The p.S137C variant (also known as c.409A>T), located in coding exon 4 of the EFEMP2 gene, results from an A to T substitution at nucleotide position 409. The serine at codon 137 is replaced by cysteine, an amino acid with dissimilar properties. This variant was detected as homozygous in a child with cutis laxa and significant aneurysmal aortic dilation (Yetman AT et al. World J Pediatr Congenit Heart Surg, 2019 05;10:376-379; Thomas P et al. Front Cardiovasc Med, 2021 Nov;8:756765). This variant has also been reported in additional homozygous and compound heterozygous cases with severe aortic dilation, often with early ages of onset (Ambry internal data; Invitae pers. comm.). This amino acid position is well conserved in available vertebrate species. In addition, this alteration is predicted to be deleterious by in silico analysis. Based on the majority of available evidence to date, this variant is likely to be pathogenic.

Fulgent Genetics
Classification: Uncertain significance for Cutis laxa, autosomal recessive, type 1B. Last evaluated: 2021-10-08. Review status: flagged submission. Criteria: ACMG Guidelines, 2015. Collection method: clinical testing. Allele origin: unknown. Not counted in ClinVar's aggregate classification.
ClinVar note: Reason: Older and outlier claim with insufficient supporting evidence

Literature cited by the submitters: PubMed 34901216 (cited by Women's Health and Genetics/Laboratory Corporation of America, LabCorp and Ambry Genetics); PubMed 38025136 (cited by Women's Health and Genetics/Laboratory Corporation of America, LabCorp); PubMed 28673110 (cited by 3 submitters).